The following is an entry in ClinVar:

NM_032122.5(DTNBP1):c.323T>C (p.Ile108Thr)

Gene: DTNBP1 (dystrobrevin binding protein 1; minus strand). Cytogenetic location: 6p22.3.
Variant type: single nucleotide variant.
Coding change: c.323T>C on transcript NM_032122.5 (MANE Select); coding-DNA position 323, T replaced by C.
Protein change: p.Ile108Thr; replaces isoleucine 108 with threonine.
Molecular consequence: missense variant. On other transcripts: non-coding transcript variant (1).
Genome position (GRCh38, 1-based): chr6:15,627,375, A>G on the plus strand (T>C on the coding strand, the complement: DTNBP1 is on the minus strand). VCF-style: chr6-15627375-A-G. GRCh37 (hg19) VCF-style: chr6-15627606-A-G.
Other names: c.80T>C, p.Ile27Thr (NM_001271667.2, NM_183041.1); c.272T>C, p.Ile91Thr (NM_001271668.2); c.218T>C, p.Ile73Thr (NM_001271669.2); c.323T>C, p.Ile108Thr (NM_183040.2); short protein forms I91T, I108T, I27T, I73T.
Identifiers: ClinVar variation 2091758 (VCV002091758.3), dbSNP rs2533687191, ClinGen allele CA362868897.

ClinVar aggregate classification (germline): Uncertain significance (1 of 4 stars; one submission).

gnomAD v4.1: 2 of 1,613,922 alleles (0.00012%); highest among the groups gnomAD compares: Middle Eastern, 0.033%; no homozygotes.

Submission:

Labcorp Genetics (formerly Invitae), Labcorp
Classification: Uncertain significance. Last evaluated: 2022-02-02. Review status: criteria provided, single submitter. Criteria: Invitae Variant Classification Sherloc (09022015). Collection method: clinical testing. Allele origin: germline.
Comment: In summary, the available evidence is currently insufficient to determine the role of this variant in disease. Therefore, it has been classified as a Variant of Uncertain Significance. Algorithms developed to predict the effect of missense changes on protein structure and function are either unavailable or do not agree on the potential impact of this missense change (SIFT: "Deleterious"; PolyPhen-2: "Benign"; Align-GVGD: "Class C0"). This variant has not been reported in the literature in individuals affected with DTNBP1-related conditions. This variant is not present in population databases (gnomAD no frequency). This sequence change replaces isoleucine, which is neutral and non-polar, with threonine, which is neutral and polar, at codon 108 of the DTNBP1 protein (p.Ile108Thr).